The following is an entry in ClinVar:

NM_058216.3(RAD51C):c.836C>G (p.Ala279Gly)

Gene: RAD51C (RAD51 paralog C; plus strand). Cytogenetic location: 17q22.
Variant type: single nucleotide variant.
Coding change: c.836C>G on transcript NM_058216.3 (MANE Select); coding-DNA position 836, C replaced by G.
Protein change: p.Ala279Gly; replaces alanine 279 with glycine.
Molecular consequence: missense variant. On other transcripts: non-coding transcript variant (1).
Genome position (GRCh38, 1-based): chr17:58,709,989, C>G. VCF-style: chr17-58709989-C-G. GRCh37 (hg19) VCF-style: chr17-56787350-C-G.
Other names: short protein forms A279G.
Identifiers: ClinVar variation 922533 (VCV000922533.10), dbSNP rs2048502472, ClinGen allele CA400354530.
Genomic context (GRCh38, chr17:58,709,989, plus strand): 5'-CTCGGTTATTAAATGGCCTAGCCCAGCAAATGATCAGCCTTGCAAATAATCACAGATTAG[C>G]TGTAAGTATTAACTAGTGAAGAGAGTTTTATAACAAAGTCAAGACTGTATAAAATGTTAA-3'
Protein context (NP_478123.1, residues 269-289): MISLANNHRL[Ala279Gly]VILTNQMTTK

ClinVar aggregate classification (germline): Uncertain significance. Review status: criteria provided, multiple submitters, no conflicts (2 of 4 stars). 3 submissions from 3 submitters: Uncertain significance (3). Last evaluated 2024-02-12.

Conditions:
Hereditary cancer-predisposing syndrome. Also called: Hereditary Cancer Syndrome; Hereditary neoplastic syndrome; Neoplastic Syndromes, Hereditary; Tumor predisposition. Identifiers: Orphanet 140162, MedGen C0027672, MeSH D009386, MONDO:0015356.
Fanconi anemia complementation group O. Also called: RAD51C-Related Fanconi Anemia. Identifiers: Orphanet 84, MedGen C3150653, MONDO:0013248, OMIM 613390.

Submissions (3):

Labcorp Genetics (formerly Invitae), Labcorp
Classification: Uncertain significance for Fanconi anemia complementation group O. Last evaluated: 2024-02-12. Review status: criteria provided, single submitter. Criteria: Invitae Variant Classification Sherloc (09022015). Collection method: clinical testing. Allele origin: germline.
Comment: This sequence change replaces alanine, which is neutral and non-polar, with glycine, which is neutral and non-polar, at codon 279 of the RAD51C protein (p.Ala279Gly). This variant is not present in population databases (gnomAD no frequency). This variant has not been reported in the literature in individuals affected with RAD51C-related conditions. ClinVar contains an entry for this variant (Variation ID: 922533). An algorithm developed to predict the effect of missense changes on protein structure and function (PolyPhen-2) suggests that this variant is likely to be disruptive. In summary, the available evidence is currently insufficient to determine the role of this variant in disease. Therefore, it has been classified as a Variant of Uncertain Significance.

Ambry Genetics
Classification: Uncertain significance for Hereditary cancer-predisposing syndrome. Last evaluated: 2022-08-03. Review status: criteria provided, single submitter. Criteria: Ambry Variant Classification Scheme 2023. Collection method: clinical testing. Allele origin: germline.
Comment: The p.A279G variant (also known as c.836C>G), located in coding exon 5 of the RAD51C gene, results from a C to G substitution at nucleotide position 836. The alanine at codon 279 is replaced by glycine, an amino acid with similar properties. This amino acid position is conserved. In addition, the in silico prediction for this alteration is inconclusive. Since supporting evidence is limited at this time, the clinical significance of this alteration remains unclear.

Color Diagnostics, LLC DBA Color Health
Classification: Uncertain significance for Hereditary cancer-predisposing syndrome. Last evaluated: 2019-07-18. Review status: criteria provided, single submitter. Criteria: ACMG Guidelines, 2015. Collection method: clinical testing. Allele origin: germline.
Comment: This missense variant replaces alanine with glycine at codon 279 of the RAD51C protein. Computational prediction tools and conservation analyses suggest that this variant may have deleterious impact on the protein function. Computational splicing tools suggest that this variant may not impact RNA splicing. To our knowledge, functional assays have not been performed for this variant nor has this variant been reported in individuals affected with hereditary cancer in the literature. This variant has not been identified in the general population by the Genome Aggregation Database (gnomAD). Available evidence is insufficient to determine the role of this variant in disease conclusively. Therefore, this variant is classified as a Variant of Uncertain Significance.